The following is an entry in ClinVar:

NM_052865.4(MGME1):c.937C>T (p.Leu313Phe)

Gene: MGME1 (mitochondrial genome maintenance exonuclease 1; plus strand). Cytogenetic location: 20p11.23.
Variant type: single nucleotide variant.
Coding change: c.937C>T on transcript NM_052865.4 (MANE Select); coding-DNA position 937, C replaced by T.
Protein change: p.Leu313Phe; replaces leucine 313 with phenylalanine.
Molecular consequence: missense variant.
Genome position (GRCh38, 1-based): chr20:17,990,011, C>T. VCF-style: chr20-17990011-C-T. GRCh37 (hg19) VCF-style: chr20-17970654-C-T.
Other names: c.982C>T, p.Leu328Phe (NM_001310338.2); c.584C>T, p.Ala195Val (NM_001310339.2); c.697C>T, p.Leu233Phe (NM_001363738.2); c.937C>T (NM_052865.2); short protein forms A195V, L328F, L233F, L313F.
Identifiers: ClinVar variation 1904550 (VCV001904550.6), dbSNP rs764959584, ClinGen allele CA9775076.

ClinVar aggregate classification (germline): Uncertain significance. Review status: criteria provided, multiple submitters, no conflicts (2 of 4 stars). 2 submissions from 2 submitters: Uncertain significance (2). Last evaluated 2025-08-18.

Conditions:
Inborn genetic diseases. Identifiers: MedGen C0950123, MeSH D030342.

Allele frequency attached by ClinVar (database versions not stated): gnomAD 0.00001; TOPMed 0.00001; gnomAD exomes 0.00003; ExAC 0.00004.
gnomAD v4.1: 44 of 1,613,982 alleles (0.0027%); highest among the groups gnomAD compares: Non-Finnish European, 0.0036%; no homozygotes.

Submissions (2):

Labcorp Genetics (formerly Invitae), Labcorp
Classification: Uncertain significance. Last evaluated: 2025-08-18. Review status: criteria provided, single submitter. Criteria: Invitae Variant Classification Sherloc (09022015). Collection method: clinical testing. Allele origin: germline.
Comment: This sequence change replaces leucine, which is neutral and non-polar, with phenylalanine, which is neutral and non-polar, at codon 313 of the MGME1 protein (p.Leu313Phe). This variant is present in population databases (rs764959584, gnomAD 0.007%). This variant has not been reported in the literature in individuals affected with MGME1-related conditions. ClinVar contains an entry for this variant (Variation ID: 1904550). Invitae Evidence Modeling of protein sequence and biophysical properties (such as structural, functional, and spatial information, amino acid conservation, physicochemical variation, residue mobility, and thermodynamic stability) has been performed for this missense variant. However, the output from this modeling did not meet the statistical confidence thresholds required to predict the impact of this variant on MGME1 protein function. In summary, the available evidence is currently insufficient to determine the role of this variant in disease. Therefore, it has been classified as a Variant of Uncertain Significance.

Ambry Genetics
Classification: Uncertain significance for Inborn genetic diseases. Last evaluated: 2025-01-31. Review status: criteria provided, single submitter. Criteria: Ambry Variant Classification Scheme 2023. Collection method: clinical testing. Allele origin: germline.